The following is an entry in ClinVar:

NM_006269.2(RP1):c.4157C>T (p.Thr1386Ile)

Gene: RP1 (RP1 axonemal microtubule associated; plus strand). Cytogenetic location: 8q12.1.
Variant type: single nucleotide variant.
Coding change: c.4157C>T on transcript NM_006269.2 (MANE Select); coding-DNA position 4157, C replaced by T.
Protein change: p.Thr1386Ile; replaces threonine 1386 with isoleucine.
Molecular consequence: missense variant. On other transcripts: intron variant (1).
Genome position (GRCh38, 1-based): chr8:54,628,039, C>T. VCF-style: chr8-54628039-C-T. GRCh37 (hg19) VCF-style: chr8-55540599-C-T.
Other names: c.787+5751C>T (NM_001375654.1); short protein forms T1386I.
Identifiers: ClinVar variation 1485166 (VCV001485166.8), dbSNP rs199961126, ClinGen allele CA4751808.
Genomic context (GRCh38, chr8:54,628,039, plus strand): 5'-ATGACATTCAGAAAGATCTAAATATTTTGACAGACCCTGAATATAAAAATGGATTTAATA[C>T]ATTGGTGTCACATCAAAATGTCAGTAATTTAAGCTCCTGTGGCCTTTGCCTAAGTGAAAA-3'
Protein context (NP_006260.1, residues 1376-1396): TDPEYKNGFN[Thr1386Ile]LVSHQNVSNL

ClinVar aggregate classification (germline): Uncertain significance. Review status: criteria provided, multiple submitters, no conflicts (2 of 4 stars). 2 submissions from 2 submitters: Uncertain significance (2). Last evaluated 2024-12-12.

Allele frequency attached by ClinVar (database versions not stated): gnomAD 0.00001; gnomAD exomes 0.00002 and 0.00001; 1000 Genomes Project 30x 0.00016; 1000 Genomes Project 0.00020; ExAC 0.00002.
gnomAD v4.1: 8 of 1,613,984 alleles (0.0005%); highest among the groups gnomAD compares: Admixed American, 0.0067%; no homozygotes.

Submissions (2):

Dasa
Classification: Uncertain significance. Last evaluated: 2024-12-12. Review status: criteria provided, single submitter. Criteria: DASA Assertion Criteria. Collection method: clinical testing. Allele origin: germline.
Comment: NM_006269.2(RP1):c.4157C>T (p.Thr1386Ile) is a missense variant that results in the substitution of threonine with isoleucine. This variant is rare in population databases. Computational prediction algorithms are consistent with a benign effect. The currently available literature and clinical evidence are not sufficient to establish a definitive association between this variant and the reported condition. Therefore, this variant is classified as a variant of uncertain significance.

Labcorp Genetics (formerly Invitae), Labcorp
Classification: Uncertain significance. Last evaluated: 2022-07-18. Review status: criteria provided, single submitter. Criteria: Invitae Variant Classification Sherloc (09022015). Collection method: clinical testing. Allele origin: germline.
Comment: In summary, the available evidence is currently insufficient to determine the role of this variant in disease. Therefore, it has been classified as a Variant of Uncertain Significance. Algorithms developed to predict the effect of missense changes on protein structure and function output the following: SIFT: "Tolerated"; PolyPhen-2: "Benign"; Align-GVGD: "Class C0". The isoleucine amino acid residue is found in multiple mammalian species, which suggests that this missense change does not adversely affect protein function. ClinVar contains an entry for this variant (Variation ID: 1485166). This variant has not been reported in the literature in individuals affected with RP1-related conditions. This variant is present in population databases (rs199961126, gnomAD 0.01%). This sequence change replaces threonine, which is neutral and polar, with isoleucine, which is neutral and non-polar, at codon 1386 of the RP1 protein (p.Thr1386Ile).